The following is an entry in ClinVar:

NM_012418.4(FSCN2):c.1096G>A (p.Asp366Asn)

Gene: FSCN2 (fascin actin-bundling protein 2, retinal; plus strand). Cytogenetic location: 17q25.3.
Variant type: single nucleotide variant.
Coding change: c.1096G>A on transcript NM_012418.4 (MANE Select); coding-DNA position 1096, G replaced by A.
Protein change: p.Asp366Asn; replaces aspartic acid 366 with asparagine.
Molecular consequence: missense variant.
Genome position (GRCh38, 1-based): chr17:81,536,258, G>A. VCF-style: chr17-81536258-G-A. GRCh37 (hg19) VCF-style: chr17-79503284-G-A.
Other names: c.1096G>A, p.Asp366Asn (NM_001077182.3); short protein forms D366N.
Identifiers: ClinVar variation 2987468 (VCV002987468.3), dbSNP rs1338620397, ClinGen allele CA401476807.

ClinVar aggregate classification (germline): Uncertain significance (1 of 4 stars; one submission).

Allele frequency attached by ClinVar (database versions not stated): gnomAD exomes below 0.00001; TOPMed below 0.00001.
gnomAD v4.1: 3 of 1,598,848 alleles (0.00019%); highest among the groups gnomAD compares: Non-Finnish European, 0.00026%; no homozygotes.

Submission:

Labcorp Genetics (formerly Invitae), Labcorp
Classification: Uncertain significance. Last evaluated: 2023-08-27. Review status: criteria provided, single submitter. Criteria: Invitae Variant Classification Sherloc (09022015). Collection method: clinical testing. Allele origin: germline.
Comment: In summary, the available evidence is currently insufficient to determine the role of this variant in disease. Therefore, it has been classified as a Variant of Uncertain Significance. An algorithm developed to predict the effect of missense changes on protein structure and function (PolyPhen-2) suggests that this variant is likely to be disruptive. This variant has not been reported in the literature in individuals affected with FSCN2-related conditions. This variant is not present in population databases (gnomAD no frequency). This sequence change replaces aspartic acid, which is acidic and polar, with asparagine, which is neutral and polar, at codon 366 of the FSCN2 protein (p.Asp366Asn).